The following is an entry in ClinVar:

NM_001042492.3(NF1):c.3563A>G (p.Gln1188Arg)

Gene: NF1 (neurofibromin 1; plus strand). Cytogenetic location: 17q11.2.
Variant type: single nucleotide variant.
Coding change: c.3563A>G on transcript NM_001042492.3 (MANE Select); coding-DNA position 3563, A replaced by G.
Protein change: p.Gln1188Arg; replaces glutamine 1188 with arginine.
Molecular consequence: missense variant.
Genome position (GRCh38, 1-based): chr17:31,233,068, A>G. VCF-style: chr17-31233068-A-G. GRCh37 (hg19) VCF-style: chr17-29560086-A-G.
Other names: c.3563A>G, p.Gln1188Arg (NM_000267.4); short protein forms Q1188R.
Identifiers: ClinVar variation 823931 (VCV000823931.4), dbSNP rs758419553, ClinGen allele CA398990055.

ClinVar aggregate classification (germline): Uncertain significance (1 of 4 stars; one submission).

Conditions:
Hereditary cancer-predisposing syndrome. Also called: Neoplastic Syndromes, Hereditary; Tumor predisposition; Hereditary neoplastic syndrome; Hereditary Cancer Syndrome. Identifiers: Orphanet 140162, MedGen C0027672, MeSH D009386, MONDO:0015356.
Cardiovascular phenotype. Identifiers: MedGen CN230736.

Submission:

Ambry Genetics
Classification: Uncertain significance for Cardiovascular phenotype; Hereditary cancer-predisposing syndrome. Last evaluated: 2018-04-18. Review status: criteria provided, single submitter. Criteria: Ambry Variant Classification Scheme 2023. Collection method: clinical testing. Allele origin: germline.
Comment: The p.Q1188R variant (also known as c.3563A>G), located in coding exon 27 of the NF1 gene, results from an A to G substitution at nucleotide position 3563. The glutamine at codon 1188 is replaced by arginine, an amino acid with highly similar properties. This amino acid position is highly conserved in available vertebrate species. In addition, this alteration is predicted to be deleterious by in silico analysis. Since supporting evidence is limited at this time, the clinical significance of this alteration remains unclear.